The following is an entry in ClinVar:

ClinVar aggregate classification (germline): Uncertain significance (1 of 4 stars; one submission).

Conditions:
Warburg micro syndrome 2 (WARBM2). Also called: MICRO SYNDROME 2. Identifiers: Orphanet 2510, MedGen C3280214, MONDO:0013641, OMIM 614225.
Martsolf syndrome (MARTS). Also called: Congenital cataract with intellectual disability and hypogonadotropic hypogonadism syndrome. Identifiers: Orphanet 1387, MedGen C0796037, MONDO:0023910.

Submission:

Labcorp Genetics (formerly Invitae), Labcorp
Classification: Uncertain significance for Martsolf syndrome; Warburg micro syndrome 2. Last evaluated: 2022-04-19. Review status: criteria provided, single submitter. Criteria: Invitae Variant Classification Sherloc (09022015). Collection method: clinical testing. Allele origin: germline.
Comment: This sequence change replaces histidine, which is basic and polar, with proline, which is neutral and non-polar, at codon 1013 of the RAB3GAP2 protein (p.His1013Pro). This variant is not present in population databases (gnomAD no frequency). This variant has not been reported in the literature in individuals affected with RAB3GAP2-related conditions. Algorithms developed to predict the effect of missense changes on protein structure and function are either unavailable or do not agree on the potential impact of this missense change (SIFT: "Tolerated"; PolyPhen-2: "Possibly Damaging"; Align-GVGD: "Class C0"). In summary, the available evidence is currently insufficient to determine the role of this variant in disease. Therefore, it has been classified as a Variant of Uncertain Significance.

NM_012414.4(RAB3GAP2):c.3038A>C (p.His1013Pro)

Gene: RAB3GAP2 (RAB3 GTPase activating non-catalytic protein subunit 2; minus strand). Cytogenetic location: 1q41.
Variant type: single nucleotide variant.
Coding change: c.3038A>C on transcript NM_012414.4 (MANE Select); coding-DNA position 3038, A replaced by C.
Protein change: p.His1013Pro; replaces histidine 1013 with proline.
Molecular consequence: missense variant.
Genome position (GRCh38, 1-based): chr1:220,167,342, T>G on the plus strand (A>C on the coding strand, the complement: RAB3GAP2 is on the minus strand). VCF-style: chr1-220167342-T-G. GRCh37 (hg19) VCF-style: chr1-220340684-T-G.
Other names: short protein forms H1013P.
Identifiers: ClinVar variation 1937955 (VCV001937955.5), dbSNP rs2528634457, ClinGen allele CA344635059.